The following is an entry in ClinVar:

ClinVar aggregate classification (germline): Pathogenic (1 of 4 stars; one submission).

Conditions:
Cardiovascular phenotype. Identifiers: MedGen CN230736.
Hereditary cancer-predisposing syndrome. Also called: Hereditary Cancer Syndrome; Hereditary neoplastic syndrome; Neoplastic Syndromes, Hereditary; Tumor predisposition. Identifiers: Orphanet 140162, MedGen C0027672, MeSH D009386, MONDO:0015356.

Submission:

Ambry Genetics
Classification: Pathogenic for Cardiovascular phenotype; Hereditary cancer-predisposing syndrome. Last evaluated: 2018-04-26. Review status: criteria provided, single submitter. Criteria: Ambry Variant Classification Scheme 2023. Collection method: clinical testing. Allele origin: germline.
Comment: The c.4217delT pathogenic mutation, located in coding exon 31 of the NF1 gene, results from a deletion of one nucleotide at nucleotide position 4217, causing a translational frameshift with a predicted alternate stop codon (p.L1406*). This alteration is expected to result in loss of function by premature protein truncation or nonsense-mediated mRNA decay. As such, this alteration is interpreted as a disease-causing mutation.

NM_001042492.3(NF1):c.4280del (p.Ile1426_Leu1427insTer)

Gene: NF1 (neurofibromin 1; plus strand). Cytogenetic location: 17q11.2.
Variant type: Deletion.
Coding change: c.4280del on transcript NM_001042492.3 (MANE Select); coding-DNA position 4280, one base deleted (T; older notation c.4280delT).
Protein change: p.Ile1426_Leu1427insTer.
Molecular consequence: nonsense. On other transcripts: frameshift variant (1).
Genome position (GRCh38, 1-based): chr17:31,258,450, T deleted; the last of 4 consecutive T bases (chr17:31,258,447-31,258,450); deleting any one gives the same sequence. VCF-style (leftmost placement, unchanged base first): chr17-31258446-AT-A. GRCh37 (hg19) VCF-style: chr17-29585464-AT-A.
Other names: c.4217delT (NM_000267.3); c.4217delT, p.Leu1406Terfs (NM_000267.4).
Identifiers: ClinVar variation 1738784 (VCV001738784.2), dbSNP rs2151462078, ClinGen allele CA2580092920.